The following is an entry in ClinVar:

NM_004415.4(DSP):c.947T>G (p.Met316Arg)

Gene: DSP (desmoplakin; plus strand). Cytogenetic location: 6p24.3.
Variant type: single nucleotide variant.
Coding change: c.947T>G on transcript NM_004415.4 (MANE Select); coding-DNA position 947, T replaced by G.
Protein change: p.Met316Arg; replaces methionine 316 with arginine.
Molecular consequence: missense variant.
Genome position (GRCh38, 1-based): chr6:7,566,384, T>G. VCF-style: chr6-7566384-T-G. GRCh37 (hg19) VCF-style: chr6-7566617-T-G.
Other names: c.947T>G, p.Met316Arg (NM_001008844.3, NM_001319034.2, NM_001406591.1); short protein forms M316R.
Identifiers: ClinVar variation 3072041 (VCV003072041.1), dbSNP rs2533876137, ClinGen allele CA362674760.

ClinVar aggregate classification (germline): Uncertain significance (1 of 4 stars; one submission).

Conditions:
Arrhythmogenic cardiomyopathy with wooly hair and keratoderma. Also called: PALMOPLANTAR KERATODERMA WITH LEFT VENTRICULAR CARDIOMYOPATHY AND WOOLLY HAIR; Carvajal syndrome; Dilated cardiomyopathy with woolly hair and keratoderma; Arrhythmogenic cardiomyopathy with woolly hair and keratoderma. Identifiers: Orphanet 65282, MedGen C1854063, MONDO:0011581, OMIM 605676.

Submission:

All of Us Research Program, National Institutes of Health
Classification: Uncertain significance for Arrhythmogenic cardiomyopathy with wooly hair and keratoderma. Last evaluated: 2023-08-15. Review status: criteria provided, single submitter. Criteria: ACMG Guidelines, 2015. Collection method: clinical testing. Allele origin: germline. Inheritance: Autosomal dominant inheritance. Observed: 2 variant alleles, 2 heterozygotes.
Comment: This missense variant replaces methionine with arginine at codon 316 of the DSP protein. Computational prediction is inconclusive regarding the impact of this variant on protein structure and function (internally defined REVEL score threshold 0.5 < inconclusive < 0.7, PMID: 27666373). To our knowledge, functional studies have not been reported for this variant. This variant has not been reported in individuals affected with DSP-related disorders in the literature. This variant has not been identified in the general population by the Genome Aggregation Database (gnomAD). The available evidence is insufficient to determine the role of this variant in disease conclusively. Therefore, this variant is classified as a Variant of Uncertain Significance.

This study involves interpretation of variants in research participants for the purpose of population health screening. Participant phenotype was not available at the time of variant classification. Additional details can be found in publication PMID: 35346344, PMCID: PMC8962531